The following is an entry in ClinVar:

NM_018685.5(ANLN):c.1454C>T (p.Ser485Leu)

Gene: ANLN (anillin, actin binding protein; plus strand). Cytogenetic location: 7p14.2.
Variant type: single nucleotide variant.
Coding change: c.1454C>T on transcript NM_018685.5 (MANE Select); coding-DNA position 1454, C replaced by T.
Protein change: p.Ser485Leu; replaces serine 485 with leucine.
Molecular consequence: missense variant.
Genome position (GRCh38, 1-based): chr7:36,415,816, C>T. VCF-style: chr7-36415816-C-T. GRCh37 (hg19) VCF-style: chr7-36455425-C-T.
Other names: c.1454C>T, p.Ser485Leu (NM_001284301.3, NM_001284302.3); short protein forms S485L.
Identifiers: ClinVar variation 1310074 (VCV001310074.5), dbSNP rs762296757, ClinGen allele CA4219607.

ClinVar aggregate classification (germline): Uncertain significance. Review status: criteria provided, multiple submitters, no conflicts (2 of 4 stars). 2 submissions from 2 submitters: Uncertain significance (2). Last evaluated 2025-05-26.

Allele frequency attached by ClinVar (database versions not stated): gnomAD 0.00001; gnomAD exomes 0.00002; ExAC 0.00004; 1000 Genomes Project 30x 0.00016.
gnomAD v4.1: 25 of 1,610,600 alleles (0.0016%); highest among the groups gnomAD compares: South Asian, 0.028%; no homozygotes.

Submissions (2):

Labcorp Genetics (formerly Invitae), Labcorp
Classification: Uncertain significance. Last evaluated: 2025-05-26. Review status: criteria provided, single submitter. Criteria: Invitae Variant Classification Sherloc (09022015). Collection method: clinical testing. Allele origin: germline.
Comment: This sequence change replaces serine, which is neutral and polar, with leucine, which is neutral and non-polar, at codon 485 of the ANLN protein (p.Ser485Leu). This variant is present in population databases (rs762296757, gnomAD 0.02%). This variant has not been reported in the literature in individuals affected with ANLN-related conditions. ClinVar contains an entry for this variant (Variation ID: 1310074). Invitae Evidence Modeling of protein sequence and biophysical properties (such as structural, functional, and spatial information, amino acid conservation, physicochemical variation, residue mobility, and thermodynamic stability) indicates that this missense variant is not expected to disrupt ANLN protein function with a negative predictive value of 80%. In summary, the available evidence is currently insufficient to determine the role of this variant in disease. Therefore, it has been classified as a Variant of Uncertain Significance.

GeneDx
Classification: Uncertain significance. Last evaluated: 2019-11-14. Review status: criteria provided, single submitter. Criteria: GeneDx Variant Classification Process June 2021. Collection method: clinical testing. Allele origin: germline. Affected: yes.
Comment: In silico analysis, which includes protein predictors and evolutionary conservation, supports that this variant does not alter protein structure/function; Has not been previously published as pathogenic or benign to our knowledge